The following is an entry in ClinVar:

NM_006080.3(SEMA3A):c.384C>T (p.His128=)

Gene: SEMA3A (semaphorin 3A; minus strand). Cytogenetic location: 7q21.11.
Variant type: single nucleotide variant.
Coding change: c.384C>T on transcript NM_006080.3 (MANE Select); coding-DNA position 384, C replaced by T.
Protein change: p.His128=; no amino-acid change (histidine 128 retained).
Molecular consequence: synonymous variant.
Genome position (GRCh38, 1-based): chr7:84,110,539, G>A on the plus strand (C>T on the coding strand, the complement: SEMA3A is on the minus strand). VCF-style: chr7-84110539-G-A. GRCh37 (hg19) VCF-style: chr7-83739855-G-A.
Identifiers: ClinVar variation 3355428 (VCV003355428.1).

ClinVar aggregate classification (germline): Likely benign (0 of 4 stars; one submission).

Conditions:
SEMA3A-related disorder. Also called: SEMA3A-related condition.

gnomAD v4.1: 7 of 1,613,948 alleles (0.00043%); highest among the groups gnomAD compares: East Asian, 0.0067%; no homozygotes.

Submission:

PreventionGenetics, part of Exact Sciences
Classification: Likely benign for SEMA3A-related condition. Last evaluated: 2024-08-06. Review status: no assertion criteria provided. Collection method: clinical testing. Allele origin: germline.
Comment: This variant is classified as likely benign based on ACMG/AMP sequence variant interpretation guidelines (Richards et al. 2015 PMID: 25741868, with internal and published modifications).